The following is an entry in ClinVar:

NM_172107.4(KCNQ2):c.302T>A (p.Leu101His)

Gene: KCNQ2 (potassium voltage-gated channel subfamily Q member 2; minus strand). Cytogenetic location: 20q13.33.
Variant type: single nucleotide variant.
Coding change: c.302T>A on transcript NM_172107.4 (MANE Select); coding-DNA position 302, T replaced by A.
Protein change: p.Leu101His; replaces leucine 101 with histidine.
Molecular consequence: missense variant.
Genome position (GRCh38, 1-based): chr20:63,446,832, A>T on the plus strand (T>A on the coding strand, the complement: KCNQ2 is on the minus strand). VCF-style: chr20-63446832-A-T. GRCh37 (hg19) VCF-style: chr20-62078185-A-T.
Other names: c.302T>A, p.Leu101His (NM_001382235.1, NM_004518.6, NM_172106.3 and 2 more transcripts); short protein forms L101H.
Identifiers: ClinVar variation 944053 (VCV000944053.10), dbSNP rs2081442073, ClinGen allele CA409656576.

ClinVar aggregate classification (germline): Likely pathogenic (1 of 4 stars; one submission).

Conditions:
Early-infantile DEE. Also called: Early infantile epileptic encephalopathy; Ohtahara syndrome; Early infantile epileptic encephalopathy with suppression bursts. Identifiers: Orphanet 1934, MedGen C0393706, MONDO:0800491.

Submission:

Labcorp Genetics (formerly Invitae), Labcorp
Classification: Likely pathogenic for Early-infantile DEE. Last evaluated: 2020-02-01. Review status: criteria provided, single submitter. Criteria: Invitae Variant Classification Sherloc (09022015). Collection method: clinical testing. Allele origin: germline.
Comment: In summary, the currently available evidence indicates that the variant is pathogenic, but additional data are needed to prove that conclusively. Therefore, this variant has been classified as Likely Pathogenic. Algorithms developed to predict the effect of missense changes on protein structure and function (SIFT, PolyPhen-2, Align-GVGD) all suggest that this variant is likely to be disruptive, but these predictions have not been confirmed by published functional studies and their clinical significance is uncertain. This variant has been observed in individual(s) withKCNQ2-related epileptic encephalopathy (Invitae). In at least one individual the variant was observed to be de novo. This variant is not present in population databases (ExAC no frequency). This sequence change replaces leucine with histidine at codon 101 of the KCNQ2 protein (p.Leu101His). The leucine residue is highly conserved and there is a moderate physicochemical difference between leucine and histidine.